The following is an entry in ClinVar:

NM_018230.3(NUP133):c.183-7dup

Gene: NUP133 (nucleoporin 133; minus strand). Cytogenetic location: 1q42.13.
Variant type: Duplication.
Coding change: c.183-7dup on transcript NM_018230.3 (MANE Select); 7 bases into the intron before coding-DNA position 183, one base duplicated (T; older notation c.183-7dupT).
Molecular consequence: intron variant.
Genome position (GRCh38, 1-based): chr1:229,506,165, A duplicated on the plus strand (T on the coding strand, the reverse complement: NUP133 is on the minus strand); the first of 4 consecutive A bases (chr1:229,506,165-229,506,168); duplicating any one gives the same sequence. VCF-style (leftmost placement, unchanged base first): chr1-229506164-G-GA. GRCh37 (hg19) VCF-style: chr1-229641911-G-GA.
Other names: c.183-7dupT (NM_018230.2).
Identifiers: ClinVar variation 2722063 (VCV002722063.5), dbSNP rs573847464, ClinGen allele CA1443901.

ClinVar aggregate classification (germline): Benign. Review status: criteria provided, single submitter (1 of 4 stars). 2 submissions from 2 submitters: Benign (1). 1 of the submissions does not count toward it. Last evaluated 2026-01-15.

Conditions:
NUP133-related disorder. Also called: NUP133-related condition.

Submissions (2):

Labcorp Genetics (formerly Invitae), Labcorp
Classification: Benign. Last evaluated: 2026-01-15. Review status: criteria provided, single submitter. Criteria: Invitae Variant Classification Sherloc (09022015). Collection method: clinical testing. Allele origin: germline.

PreventionGenetics, part of Exact Sciences
Classification: Likely benign for NUP133-related condition. Last evaluated: 2021-10-29. Review status: no assertion criteria provided. Collection method: clinical testing. Allele origin: germline. Not counted in ClinVar's aggregate classification.
Comment: This variant is classified as likely benign based on ACMG/AMP sequence variant interpretation guidelines (Richards et al. 2015 PMID: 25741868, with internal and published modifications).